The following is an entry in ClinVar:

ClinVar aggregate classification (germline): Uncertain significance (1 of 4 stars; one submission).

Conditions:
Familial sleep-related hypermotor epilepsy. Also called: Autosomal Dominant Sleep-Related Hypermotor (Hyperkinetic) Epilepsy. Identifiers: Orphanet 98784, MedGen C3696898, MONDO:0000030.

Submission:

Labcorp Genetics (formerly Invitae), Labcorp
Classification: Uncertain significance. Last evaluated: 2021-05-09. Review status: criteria provided, single submitter. Criteria: Invitae Variant Classification Sherloc (09022015). Collection method: clinical testing. Allele origin: germline.
Comment: This sequence change creates a premature translational stop signal (p.Arg262Glyfs*75) in the CHRNA2 gene. It is expected to result in an absent or disrupted protein product. This variant is not present in population databases (ExAC no frequency). This variant has not been reported in the literature in individuals with CHRNA2-related conditions. The current clinical and genetic evidence is not sufficient to establish whether loss-of-function variants in CHRNA2 cause disease. In summary, the available evidence is currently insufficient to determine the role of this variant in disease. Therefore, it has been classified as a Variant of Uncertain Significance.

NM_000742.4(CHRNA2):c.784del (p.Arg262fs)

Gene: CHRNA2 (cholinergic receptor nicotinic alpha 2 subunit; minus strand). Cytogenetic location: 8p21.2.
Variant type: Deletion.
Coding change: c.784del on transcript NM_000742.4 (MANE Select); coding-DNA position 784, one base deleted (C; older notation c.784delC).
Protein change: p.Arg262fs; shifts the reading frame from arginine 262.
Molecular consequence: frameshift variant.
Genome position (GRCh38, 1-based): chr8:27,463,659, G deleted on the plus strand (C on the coding strand, the reverse complement: CHRNA2 is on the minus strand); the first of 2 consecutive G bases (chr8:27,463,659-27,463,660); deleting either gives the same sequence. VCF-style (leftmost placement, unchanged base first): chr8-27463658-CG-C. GRCh37 (hg19) VCF-style: chr8-27321175-CG-C.
Other names: c.739del, p.Arg247fs (NM_001282455.2); c.307del, p.Arg103fs (NM_001347705.2, NM_001347706.2); c.190del, p.Arg64fs (NM_001347707.2, NM_001347708.2); short protein forms R103fs, R247fs, R262fs, R64fs.
Identifiers: ClinVar variation 1026732 (VCV001026732.2), dbSNP rs1332347946, ClinGen allele CA850385399.
Genomic context (GRCh38, chr8:27,463,658, plus strand): 5'-AGGCAGGAGATGAGCAGGCAGGGGATGATGAGGTTGATGGTGTAGAAGAGCGGCAGCCGC[CG>C]GATGACGAAGGCGTAGGTGACGTCGGGGTAGATCTCGGCGCAGCAGTCGTACTTCTTGCT-3'